The following is an entry in ClinVar:

ClinVar aggregate classification (germline): Likely benign (1 of 4 stars; one submission).

Conditions:
SIM1-related disorder. Also called: SIM1-related disorders; SIM1-related condition.

gnomAD v4.1: 1 of 1,613,904 alleles (0.000062%); highest among the groups gnomAD compares: African/African-American, 0.0013%; no homozygotes.

Submission:

PreventionGenetics, part of Exact Sciences
Classification: Likely benign for SIM1-related condition. Last evaluated: 2025-08-20. Review status: criteria provided, single submitter. Criteria: ACMG Guidelines, 2015. Collection method: clinical testing. Allele origin: germline.
Comment: This variant is classified as likely benign based on ACMG/AMP sequence variant interpretation guidelines (Richards et al. 2015 PMID: 25741868, with internal and published modifications).

NM_005068.3(SIM1):c.57A>G (p.Glu19=)

Gene: SIM1 (SIM bHLH transcription factor 1; minus strand). Cytogenetic location: 6q16.3.
Variant type: single nucleotide variant.
Coding change: c.57A>G on transcript NM_005068.3 (MANE Select); coding-DNA position 57, A replaced by G.
Protein change: p.Glu19=; no amino-acid change (glutamic acid 19 retained).
Molecular consequence: synonymous variant.
Genome position (GRCh38, 1-based): chr6:100,463,412, T>C on the plus strand (A>G on the coding strand, the complement: SIM1 is on the minus strand). VCF-style: chr6-100463412-T-C. GRCh37 (hg19) VCF-style: chr6-100911288-T-C.
Other names: c.57A>G, p.Glu19= (NM_001374769.1).
Identifiers: ClinVar variation 4987304 (VCV004987304.1).